The following is an entry in ClinVar:

NM_022089.4(ATP13A2):c.153C>T (p.His51=)

Gene: ATP13A2 (ATPase cation transporting 13A2; minus strand). Cytogenetic location: 1p36.13.
Variant type: single nucleotide variant.
Coding change: c.153C>T on transcript NM_022089.4 (MANE Select); coding-DNA position 153, C replaced by T.
Protein change: p.His51=; no amino-acid change (histidine 51 retained).
Molecular consequence: synonymous variant.
Genome position (GRCh38, 1-based): chr1:17,005,509, G>A on the plus strand (C>T on the coding strand, the complement: ATP13A2 is on the minus strand). VCF-style: chr1-17005509-G-A. GRCh37 (hg19) VCF-style: chr1-17332004-G-A.
Other names: c.153C>T, p.His51= (NM_001141973.3, NM_001141974.3).
Identifiers: ClinVar variation 1616590 (VCV001616590.15), dbSNP rs759666274, ClinGen allele CA637744.

ClinVar aggregate classification (germline): Conflicting classifications of pathogenicity. Review status: criteria provided, conflicting classifications (1 of 4 stars). 3 submissions from 3 submitters: Uncertain significance (1); Likely benign (2). Last evaluated 2025-12-01.

Conditions:
Autosomal recessive spastic paraplegia type 78. Identifiers: Orphanet 513436, MedGen C5567893, MONDO:0014975, OMIM 617225.
Kufor-Rakeb syndrome (KRS). Also called: PARKINSON DISEASE 9, AUTOSOMAL RECESSIVE, JUVENILE-ONSET. Identifiers: Orphanet 306674, Orphanet 314632, MedGen C1847640, MONDO:0011706, OMIM 606693.
Inborn genetic diseases. Identifiers: MedGen C0950123, MeSH D030342.

Allele frequency attached by ClinVar (database versions not stated): gnomAD exomes 0.00001 and 0.00003; ExAC 0.00003; gnomAD 0.00003 and 0.00004; TOPMed 0.00003.
gnomAD v4.1: 21 of 1,614,138 alleles (0.0013%); highest among the groups gnomAD compares: Middle Eastern, 0.016%; no homozygotes.

Submissions (3):

CeGaT Center for Human Genetics Tuebingen
Classification: Uncertain significance. Last evaluated: 2025-12-01. Review status: criteria provided, single submitter. Criteria: CeGaT Center For Human Genetics Tuebingen Variant Classification Criteria Version 2. Collection method: clinical testing. Allele origin: germline. Affected: yes. Observed: 1 variant allele.
Comment: ATP13A2: PM2, BP4

Labcorp Genetics (formerly Invitae), Labcorp
Classification: Likely benign for Kufor-Rakeb syndrome; Autosomal recessive spastic paraplegia type 78. Last evaluated: 2021-03-25. Review status: criteria provided, single submitter. Criteria: Invitae Variant Classification Sherloc (09022015). Collection method: clinical testing. Allele origin: germline.

Ambry Genetics
Classification: Likely benign for Inborn genetic diseases. Last evaluated: 2018-12-22. Review status: criteria provided, single submitter. Criteria: Ambry Variant Classification Scheme 2023. Collection method: clinical testing. Allele origin: germline.